The following is an entry in ClinVar:

NM_182916.3(TRNT1):c.482-16C>G

Gene: TRNT1 (tRNA nucleotidyl transferase 1; plus strand). Cytogenetic location: 3p26.2.
Variant type: single nucleotide variant.
Coding change: c.482-16C>G on transcript NM_182916.3 (MANE Select); 16 bases into the intron before coding-DNA position 482, C replaced by G.
Molecular consequence: intron variant.
Genome position (GRCh38, 1-based): chr3:3,144,568, C>G. VCF-style: chr3-3144568-C-G. GRCh37 (hg19) VCF-style: chr3-3186252-C-G.
Other names: c.482-16C>G (NM_001367321.1, NM_001367323.1, NM_001367322.1 and 2 more transcripts).
Identifiers: ClinVar variation 506454 (VCV000506454.9), dbSNP rs200787934, ClinGen allele CA2228688.

ClinVar aggregate classification (germline): Likely benign. Review status: criteria provided, multiple submitters, no conflicts (2 of 4 stars). 3 submissions from 3 submitters: Likely benign (3). Last evaluated 2025-12-24.

Conditions:
Congenital sideroblastic anemia-B-cell immunodeficiency-periodic fever-developmental delay syndrome. Also called: Sideroblastic anemia with B-cell immunodeficiency, periodic fevers, and developmental delay. Identifiers: Orphanet 369861, MedGen C4015172, MONDO:0014487, OMIM 616084.

Allele frequency attached by ClinVar (database versions not stated): ExAC 0.00014; gnomAD exomes 0.00016; TOPMed 0.00017; gnomAD 0.00019 and 0.00020; 1000 Genomes Project 30x 0.00031; 1000 Genomes Project 0.00040.
gnomAD v4.1: 266 of 1,568,084 alleles (0.017%); highest among the groups gnomAD compares: Non-Finnish European, 0.021%; no homozygotes.

Submissions (3):

Labcorp Genetics (formerly Invitae), Labcorp
Classification: Likely benign for Congenital sideroblastic anemia-B-cell immunodeficiency-periodic fever-developmental delay syndrome. Last evaluated: 2025-12-24. Review status: criteria provided, single submitter. Criteria: Invitae Variant Classification Sherloc (09022015). Collection method: clinical testing. Allele origin: germline.

Blueprint Genetics
Classification: Likely benign. Last evaluated: 2024-10-11. Review status: criteria provided, single submitter. Criteria: ACMG Guidelines, 2015. Collection method: clinical testing. Allele origin: germline.

GeneDx
Classification: Likely benign. Last evaluated: 2017-02-28. Review status: criteria provided, single submitter. Criteria: GeneDx Variant Classification (06012015). Collection method: clinical testing. Allele origin: germline. Affected: yes.
Comment: This variant is considered likely benign or benign based on one or more of the following criteria: it is a conservative change, it occurs at a poorly conserved position in the protein, it is predicted to be benign by multiple in silico algorithms, and/or has population frequency not consistent with disease.